The following is an entry in ClinVar:

NM_152564.5(VPS13B):c.11492T>G (p.Val3831Gly)

Gene: VPS13B (vacuolar protein sorting 13 homolog B; plus strand). Cytogenetic location: 8q22.2.
Variant type: single nucleotide variant.
Coding change: c.11492T>G on transcript NM_152564.5 (MANE Select); coding-DNA position 11492, T replaced by G.
Protein change: p.Val3831Gly; replaces valine 3831 with glycine.
Molecular consequence: missense variant.
Genome position (GRCh38, 1-based): chr8:99,870,884, T>G. VCF-style: chr8-99870884-T-G. GRCh37 (hg19) VCF-style: chr8-100883112-T-G.
Other names: c.11567T>G, p.Val3856Gly (NM_017890.5); short protein forms V3831G, V3856G.
Identifiers: ClinVar variation 3347141 (VCV003347141.2).

ClinVar aggregate classification (germline): Likely pathogenic. Review status: criteria provided, single submitter (1 of 4 stars). 2 submissions from 2 submitters: Likely pathogenic (1). 1 of the submissions does not count toward it. Last evaluated 2024-08-22.

Conditions:
VPS13B-related disorder. Also called: VPS13B-related condition.

gnomAD v4.1: 7 of 1,613,916 alleles (0.00043%); highest among the groups gnomAD compares: Non-Finnish European, 0.00059%; no homozygotes.

Submissions (2):

Blueprint Genetics
Classification: Likely pathogenic for VPS13B-related disorders. Last evaluated: 2024-08-22. Review status: criteria provided, single submitter. Criteria: ACMG Guidelines, 2015. Collection method: clinical testing. Allele origin: germline. Affected: yes. Observed: 2 variant alleles.

PreventionGenetics, part of Exact Sciences
Classification: Uncertain significance for VPS13B-related condition. Last evaluated: 2024-05-23. Review status: no assertion criteria provided. Collection method: clinical testing. Allele origin: germline. Not counted in ClinVar's aggregate classification.
Comment: The VPS13B c.11492T>G variant is predicted to result in the amino acid substitution p.Val3831Gly. To our knowledge, this variant has not been reported in the literature or in a large population database, indicating this variant is rare. At this time, the clinical significance of this variant is uncertain due to the absence of conclusive functional and genetic evidence.